The following is an entry in ClinVar:

ClinVar aggregate classification (germline): Uncertain significance (1 of 4 stars; one submission).

Conditions:
Fanconi anemia (FA). Also called: Fanconi's anemia. Identifiers: Orphanet 84, MedGen C0015625, MeSH D005199, MONDO:0019391.

Submission:

Labcorp Genetics (formerly Invitae), Labcorp
Classification: Uncertain significance for Fanconi anemia. Last evaluated: 2022-03-04. Review status: criteria provided, single submitter. Criteria: Invitae Variant Classification Sherloc (09022015). Collection method: clinical testing. Allele origin: germline.
Comment: Algorithms developed to predict the effect of missense changes on protein structure and function output the following: SIFT: "Deleterious"; PolyPhen-2: "Possibly Damaging"; Align-GVGD: "Class C0". The serine amino acid residue is found in multiple mammalian species, which suggests that this missense change does not adversely affect protein function. In summary, the available evidence is currently insufficient to determine the role of this variant in disease. Therefore, it has been classified as a Variant of Uncertain Significance. This variant has not been reported in the literature in individuals affected with SLX4-related conditions. This sequence change replaces proline, which is neutral and non-polar, with serine, which is neutral and polar, at codon 1420 of the SLX4 protein (p.Pro1420Ser). This variant is not present in population databases (gnomAD no frequency).

NM_032444.4(SLX4):c.4258C>T (p.Pro1420Ser)

Gene: SLX4 (SLX4 structure-specific endonuclease subunit; minus strand). Cytogenetic location: 16p13.3.
Variant type: single nucleotide variant.
Coding change: c.4258C>T on transcript NM_032444.4 (MANE Select); coding-DNA position 4258, C replaced by T.
Protein change: p.Pro1420Ser; replaces proline 1420 with serine.
Molecular consequence: missense variant.
Genome position (GRCh38, 1-based): chr16:3,589,380, G>A on the plus strand (C>T on the coding strand, the complement: SLX4 is on the minus strand). VCF-style: chr16-3589380-G-A. GRCh37 (hg19) VCF-style: chr16-3639381-G-A.
Other names: short protein forms P1420S.
Identifiers: ClinVar variation 1943186 (VCV001943186.5), dbSNP rs2151121708, ClinGen allele CA394517917.